The following is an entry in ClinVar:

NM_001244008.2(KIF1A):c.2616del (p.Leu873fs)

Gene: KIF1A (kinesin family member 1A; minus strand). Cytogenetic location: 2q37.3.
Variant type: Deletion.
Coding change: c.2616del on transcript NM_001244008.2 (MANE Select); coding-DNA position 2616, one base deleted (T; older notation c.2616delT).
Protein change: p.Leu873fs; shifts the reading frame from leucine 873.
Molecular consequence: frameshift variant. On other transcripts: intron variant (18).
Genome position (GRCh38, 1-based): chr2:240,757,561, A deleted on the plus strand (T on the coding strand, the reverse complement: KIF1A is on the minus strand); the first of 2 consecutive A bases (chr2:240,757,561-240,757,562); deleting either gives the same sequence. VCF-style (leftmost placement, unchanged base first): chr2-240757560-GA-G. GRCh37 (hg19) VCF-style: chr2-241696977-GA-G.
Other names: c.2691del, p.Leu898fs (NM_001379631.1); c.2565del, p.Leu856fs (NM_001379632.1); c.2589del, p.Leu864fs (NM_001379633.1, NM_001379642.1, NM_001379645.1); c.2555+799del (NM_001379653.1, NM_001379650.1, NM_001379640.1 and 6 more transcripts); c.2657+799del (NM_001379635.1, NM_001330290.2, NM_001379646.1 and 1 more transcripts); c.2630+799del (NM_001379637.1, NM_001379648.1); c.2582+799del (NM_001320705.2, NM_001379638.1, NM_001330289.2); c.2616delT (NM_001244008.1); short protein forms L856fs, L873fs, L898fs, L864fs.
Identifiers: ClinVar variation 1793860 (VCV001793860.2), dbSNP rs2537513017, ClinGen allele CA2580068077.

ClinVar aggregate classification (germline): Uncertain significance (1 of 4 stars; one submission).

Conditions:
Inborn genetic diseases. Identifiers: MedGen C0950123, MeSH D030342.

Submission:

Ambry Genetics
Classification: Uncertain significance for Inborn genetic diseases. Last evaluated: 2021-12-08. Review status: criteria provided, single submitter. Criteria: Ambry Variant Classification Scheme 2023. Collection method: clinical testing. Allele origin: germline.
Comment: The c.2616delT variant, located in coding exon 26 of the KIF1A gene, results from a deletion of one nucleotide at nucleotide position 2616, causing a translational frameshift with a predicted alternate stop codon (p.L873Sfs*5). The evidence for this gene-disease relationship is limited; therefore, the clinical significance of this alteration is unclear.